The following is an entry in ClinVar:

NM_000256.3(MYBPC3):c.1634T>G (p.Leu545Arg)

Gene: MYBPC3 (myosin binding protein C3; minus strand). Cytogenetic location: 11p11.2.
Variant type: single nucleotide variant.
Coding change: c.1634T>G on transcript NM_000256.3 (MANE Select); coding-DNA position 1634, T replaced by G.
Protein change: p.Leu545Arg; replaces leucine 545 with arginine.
Molecular consequence: missense variant.
Genome position (GRCh38, 1-based): chr11:47,342,147, A>C on the plus strand (T>G on the coding strand, the complement: MYBPC3 is on the minus strand). VCF-style: chr11-47342147-A-C. GRCh37 (hg19) VCF-style: chr11-47363698-A-C.
Other names: short protein forms L545R.
Identifiers: ClinVar variation 2821445 (VCV002821445.3), dbSNP rs2495761527, ClinGen allele CA380324483.

ClinVar aggregate classification (germline): Uncertain significance (1 of 4 stars; one submission).

Conditions:
Hypertrophic cardiomyopathy. Also called: HYPERTROPHIC MYOCARDIOPATHY. Identifiers: Orphanet 217569, MedGen C0007194, MeSH D002312, MONDO:0005045, HP:0001639.

Submission:

Labcorp Genetics (formerly Invitae), Labcorp
Classification: Uncertain significance for Hypertrophic cardiomyopathy. Last evaluated: 2022-12-16. Review status: criteria provided, single submitter. Criteria: Invitae Variant Classification Sherloc (09022015). Collection method: clinical testing. Allele origin: germline.
Comment: In summary, the available evidence is currently insufficient to determine the role of this variant in disease. Therefore, it has been classified as a Variant of Uncertain Significance. This variant is not present in population databases (gnomAD no frequency). This sequence change replaces leucine, which is neutral and non-polar, with arginine, which is basic and polar, at codon 545 of the MYBPC3 protein (p.Leu545Arg). Algorithms developed to predict the effect of missense changes on protein structure and function (SIFT, PolyPhen-2, Align-GVGD) all suggest that this variant is likely to be disruptive. This missense change has been observed in individual(s) with hypertrophic cardiomyopathy (PMID: 16858239).

Literature cited by the submitters: PubMed 16858239.